The following is an entry in ClinVar:

ClinVar aggregate classification (germline): Pathogenic. Review status: criteria provided, multiple submitters, no conflicts (2 of 4 stars). 2 submissions from 2 submitters: Pathogenic (2). Last evaluated 2021-12-02.

Conditions:
Epidermolysis bullosa simplex 5B, with muscular dystrophy (EBS5B). Also called: EPIDERMOLYSIS BULLOSA SIMPLEX AND LIMB-GIRDLE MUSCULAR DYSTROPHY; Epidermolysis bullosa simplex with muscular dystrophy. Identifiers: Orphanet 257, MedGen C2931072, MONDO:0009181, OMIM 226670.
Epidermolysis bullosa simplex, Ogna type (EBS5A). Also called: Pidermolysis bullosa simplex 5A, Ogna type; EPIDERMOLYSIS BULLOSA SIMPLEX 5A, OGNA TYPE. Identifiers: Orphanet 79401, MedGen C0432317, MONDO:0007555, OMIM 131950.
Autosomal recessive limb-girdle muscular dystrophy type 2Q (LGMDR17). Also called: MUSCULAR DYSTROPHY, LIMB-GIRDLE, AUTOSOMAL RECESSIVE 17. Identifiers: Orphanet 254361, MedGen C3150989, MONDO:0013390, OMIM 613723.
Epidermolysis bullosa simplex 5C, with pyloric atresia (EBS5C). Also called: Epidermolysis bullosa simplex with pyloric atresia; PLEC1-Related Epidermolysis Bullosa with Pyloric Atresia; PLEC-Related Epidermolysis Bullosa with Pyloric Atresia. Identifiers: Orphanet 158684, MedGen C2677349, MONDO:0012807, OMIM 612138.
Epidermolysis bullosa simplex with nail dystrophy (EBS5D). Identifiers: MedGen C4225309, MONDO:0014661, OMIM 616487.

Allele frequency attached by ClinVar (database versions not stated): gnomAD exomes below 0.00001.

Submissions (2):

Labcorp Genetics (formerly Invitae), Labcorp
Classification: Pathogenic for Autosomal recessive limb-girdle muscular dystrophy type 2Q; Epidermolysis bullosa simplex, Ogna type; Epidermolysis bullosa simplex with nail dystrophy; Epidermolysis bullosa simplex 5C, with pyloric atresia; Epidermolysis bullosa simplex 5B, with muscular dystrophy. Last evaluated: 2021-12-02. Review status: criteria provided, single submitter. Criteria: Invitae Variant Classification Sherloc (09022015). Collection method: clinical testing. Allele origin: germline.
Comment: This sequence change creates a premature translational stop signal (p.Glu3215Alafs*44) in the PLEC gene. While this is not anticipated to result in nonsense mediated decay, it is expected to disrupt the last 1360 amino acid(s) of the PLEC protein. This variant is not present in population databases (gnomAD no frequency). This variant has not been reported in the literature in individuals affected with PLEC-related conditions. ClinVar contains an entry for this variant (Variation ID: 501798). This variant disrupts a region of the PLEC protein in which other variant(s) (p.Lys4460*) have been determined to be pathogenic (PMID: 10652002). This suggests that this is a clinically significant region of the protein, and that variants that disrupt it are likely to be disease-causing. For these reasons, this variant has been classified as Pathogenic.

Eurofins Ntd Llc (ga)
Classification: Pathogenic. Last evaluated: 2017-05-02. Review status: criteria provided, single submitter. Criteria: EGL Classification Definitions 2015. Collection method: clinical testing. Allele origin: germline. Observed: 1 variant allele, 1 heterozygote.

Literature cited by the submitters: PubMed 10652002 (cited by Labcorp Genetics (formerly Invitae), Labcorp).

NM_201384.3(PLEC):c.9558_9559del (p.Glu3188fs)

Gene: PLEC (plectin; minus strand). Cytogenetic location: 8q24.3.
Variant type: Deletion.
Coding change: c.9558_9559del on transcript NM_201384.3 (MANE Select); coding-DNA positions 9558 to 9559, 2 bases deleted (AG; older notation c.9558_9559delAG).
Protein change: p.Glu3188fs; shifts the reading frame from glutamic acid 3188.
Molecular consequence: frameshift variant.
Genome position (GRCh38, 1-based): chr8:143,920,262-143,920,263, CT deleted on the plus strand (AG on the coding strand, the reverse complement: PLEC is on the minus strand). VCF-style (leftmost placement, unchanged base first): chr8-143920261-CCT-C. GRCh37 (hg19) VCF-style: chr8-144994429-CCT-C.
Other names: c.9639_9640del, p.Glu3215fs (NM_000445.5); c.9516_9517del, p.Glu3174fs (NM_201378.4); c.9492_9493del, p.Glu3166fs (NM_201379.3); c.9969_9970del, p.Glu3325fs (NM_201380.4); c.9462_9463del, p.Glu3156fs (NM_201381.3); c.9558_9559del, p.Glu3188fs (NM_201382.4); c.9570_9571del, p.Glu3192fs (NM_201383.3); short protein forms E3215fs, E3156fs, E3174fs, E3188fs, E3166fs, E3192fs, E3325fs.
Identifiers: ClinVar variation 501798 (VCV000501798.10), dbSNP rs1554681167, ClinGen allele CA658797161.
Genomic context (GRCh38, chr8:143,920,261, plus strand): 5'-AGCCCGGTCAGCTGGTCGGGCCGGCACCGCTGCTGGAGCTCGCCGTAGGTGGCCGGCTCC[CCT>C]GTGCTGGGGTCACTGTAGGCCTTGGCGTCGGCCCTTGGTGCCGACAGGGCCCTGCTGGTC-3'